The following is an entry in ClinVar:

NM_182914.3(SYNE2):c.1372G>C (p.Val458Leu)

Gene: SYNE2 (spectrin repeat containing nuclear envelope protein 2; plus strand). Cytogenetic location: 14q23.2.
Variant type: single nucleotide variant.
Coding change: c.1372G>C on transcript NM_182914.3 (MANE Select); coding-DNA position 1372, G replaced by C.
Protein change: p.Val458Leu; replaces valine 458 with leucine.
Molecular consequence: missense variant.
Genome position (GRCh38, 1-based): chr14:63,977,983, G>C. VCF-style: chr14-63977983-G-C. GRCh37 (hg19) VCF-style: chr14-64444701-G-C.
Other names: c.1372G>C, p.Val458Leu (NM_015180.6); short protein forms V458L.
Identifiers: ClinVar variation 2742508 (VCV002742508.3), dbSNP rs1243492280, ClinGen allele CA389955875.

ClinVar aggregate classification (germline): Uncertain significance (1 of 4 stars; one submission).

Conditions:
Emery-Dreifuss muscular dystrophy 5, autosomal dominant (EDMD5). Also called: EMERY-DREIFUSS MUSCULAR DYSTROPHY 5. Identifiers: Orphanet 261, MedGen C2751805, MONDO:0013072, OMIM 612999.

gnomAD v4.1: 2 of 1,613,404 alleles (0.00012%); highest among the groups gnomAD compares: Admixed American, 0.0033%; no homozygotes.

Submission:

Labcorp Genetics (formerly Invitae), Labcorp
Classification: Uncertain significance for Emery-Dreifuss muscular dystrophy 5, autosomal dominant. Last evaluated: 2023-10-14. Review status: criteria provided, single submitter. Criteria: Invitae Variant Classification Sherloc (09022015). Collection method: clinical testing. Allele origin: germline.
Comment: This sequence change replaces valine, which is neutral and non-polar, with leucine, which is neutral and non-polar, at codon 458 of the SYNE2 protein (p.Val458Leu). This variant is present in population databases (no rsID available, gnomAD 0.003%). This variant has not been reported in the literature in individuals affected with SYNE2-related conditions. An algorithm developed to predict the effect of missense changes on protein structure and function (PolyPhen-2) suggests that this variant is likely to be tolerated. In summary, the available evidence is currently insufficient to determine the role of this variant in disease. Therefore, it has been classified as a Variant of Uncertain Significance.